The following is an entry in ClinVar:

ClinVar aggregate classification (germline): Uncertain significance. Review status: criteria provided, multiple submitters, no conflicts (2 of 4 stars). 3 submissions from 3 submitters: Uncertain significance (3). Last evaluated 2026-10-01.

Conditions:
Inborn genetic diseases. Identifiers: MedGen C0950123, MeSH D030342.
Familial hemiplegic migraine. Identifiers: MedGen C0338484, MONDO:0000700.

Allele frequency attached by ClinVar (database versions not stated): gnomAD exomes below 0.00001.
gnomAD v4.1: 2 of 1,614,218 alleles (0.00012%); highest among the groups gnomAD compares: Non-Finnish European, 0.000085%; no homozygotes.

Submissions (3):

GeneDx
Classification: Uncertain significance. Last evaluated: 2026-10-01. Review status: criteria provided, single submitter. Criteria: GeneDx Variant Classification Process June 2021. Collection method: clinical testing. Allele origin: germline.
Comment: Not observed at significant frequency in large population cohorts (gnomAD); In silico analysis supports that this missense variant has a deleterious effect on protein structure/function; Has not been previously published as pathogenic or benign to our knowledge

Labcorp Genetics (formerly Invitae), Labcorp
Classification: Uncertain significance for Familial hemiplegic migraine. Last evaluated: 2026-01-17. Review status: criteria provided, single submitter. Criteria: Invitae Variant Classification Sherloc (09022015). Collection method: clinical testing. Allele origin: germline.
Comment: This sequence change replaces arginine, which is basic and polar, with cysteine, which is neutral and slightly polar, at codon 267 of the ATP1A2 protein (p.Arg267Cys). This variant is present in population databases (no rsID available, gnomAD 0.0009%). This variant has not been reported in the literature in individuals affected with ATP1A2-related conditions. ClinVar contains an entry for this variant (Variation ID: 450417). Invitae Evidence Modeling of protein sequence and biophysical properties (such as structural, functional, and spatial information, amino acid conservation, physicochemical variation, residue mobility, and thermodynamic stability) indicates that this missense variant is expected to disrupt ATP1A2 protein function with a positive predictive value of 80%. In summary, the available evidence is currently insufficient to determine the role of this variant in disease. Therefore, it has been classified as a Variant of Uncertain Significance.

Ambry Genetics
Classification: Uncertain significance for Inborn genetic diseases. Last evaluated: 2025-12-31. Review status: criteria provided, single submitter. Criteria: Ambry Variant Classification Scheme 2023. Collection method: clinical testing. Allele origin: germline.
Comment: The c.799C>T (p.R267C) alteration is located in exon 8 (coding exon 8) of the ATP1A2 gene. This alteration results from a C to T substitution at nucleotide position 799, causing the arginine (R) at amino acid position 267 to be replaced by a cysteine (C). Based on data from gnomAD, the T allele has an overall frequency of <0.001% (1/251150) total alleles studied. The highest observed frequency was 0.001% (1/113448) of European (non-Finnish) alleles. Based on insufficient or conflicting evidence, the clinical significance of this alteration remains unclear.

NM_000702.4(ATP1A2):c.799C>T (p.Arg267Cys)

Gene: ATP1A2 (ATPase Na+/K+ transporting subunit alpha 2; plus strand). Cytogenetic location: 1q23.2.
Variant type: single nucleotide variant.
Coding change: c.799C>T on transcript NM_000702.4 (MANE Select); coding-DNA position 799, C replaced by T.
Protein change: p.Arg267Cys; replaces arginine 267 with cysteine.
Molecular consequence: missense variant.
Genome position (GRCh38, 1-based): chr1:160,127,602, C>T. VCF-style: chr1-160127602-C-T. GRCh37 (hg19) VCF-style: chr1-160097392-C-T.
Other names: short protein forms R267C.
Identifiers: ClinVar variation 450417 (VCV000450417.9), dbSNP rs1399834873, ClinGen allele CA343237291.
Genomic context (GRCh38, chr1:160,127,602, plus strand): 5'-CATGTTGCAGGCACTGCCAGGGGCATTGTGATTGCCACAGGAGACCGGACGGTGATGGGC[C>T]GCATAGCTACTCTCGCCTCAGGCCTGGAGGTTGGGCGGACACCCATAGCAATGGAGATTG-3'
Protein context (NP_000693.1, residues 257-277): IATGDRTVMG[Arg267Cys]IATLASGLEV